The following is an entry in ClinVar:

NM_002180.3(IGHMBP2):c.2601_2604del (p.Lys868fs)

Gene: IGHMBP2 (immunoglobulin mu DNA binding protein 2; plus strand). Cytogenetic location: 11q13.3.
Variant type: Deletion.
Coding change: c.2601_2604del on transcript NM_002180.3 (MANE Select); coding-DNA positions 2601 to 2604, 4 bases deleted (AAAA; older notation c.2601_2604delAAAA).
Protein change: p.Lys868fs; shifts the reading frame from lysine 868.
Molecular consequence: frameshift variant.
Genome position (GRCh38, 1-based): chr11:68,937,081-68,937,084, AAAA deleted; deleting any 4 consecutive bases within chr11:68,937,079-68,937,084 gives the same sequence; the c. name uses the placement nearest the transcript's 3' end. VCF-style (leftmost placement, unchanged base first): chr11-68937078-GAAAA-G. GRCh37 (hg19) VCF-style: chr11-68704546-GAAAA-G.
Other names: short protein forms K868fs.
Identifiers: ClinVar variation 2925486 (VCV002925486.3), dbSNP rs767088664, ClinGen allele CA2497321231.

ClinVar aggregate classification (germline): Pathogenic (1 of 4 stars; one submission).

Conditions:
Autosomal recessive distal spinal muscular atrophy 1. Also called: NEURONOPATHY, DISTAL HEREDITARY MOTOR, HARDING TYPE VI; NEUROPATHY, DISTAL HEREDITARY MOTOR, AUTOSOMAL RECESSIVE 1; HMN VI; NEURONOPATHY, SEVERE INFANTILE AXONAL, WITH RESPIRATORY FAILURE; SEVERE INFANTILE AXONAL NEUROPATHY WITH RESPIRATORY FAILURE; SPINAL MUSCULAR ATROPHY, DIAPHRAGMATIC. Identifiers: Orphanet 98920, MedGen C1858517, MONDO:0011436, OMIM 604320.
Charcot-Marie-Tooth disease axonal type 2S. Also called: CHARCOT-MARIE-TOOTH DISEASE, AXONAL, AUTOSOMAL RECESSIVE, TYPE 2S; CHARCOT-MARIE-TOOTH NEUROPATHY, TYPE 2S. Identifiers: Orphanet 443073, MedGen C4015349, MONDO:0014511, OMIM 616155.

Submission:

Labcorp Genetics (formerly Invitae), Labcorp
Classification: Pathogenic for Autosomal recessive distal spinal muscular atrophy 1; Charcot-Marie-Tooth disease axonal type 2S. Last evaluated: 2023-09-08. Review status: criteria provided, single submitter. Criteria: Invitae Variant Classification Sherloc (09022015). Collection method: clinical testing. Allele origin: germline.
Comment: For these reasons, this variant has been classified as Pathogenic. This premature translational stop signal has been observed in individual(s) with Charcot-Marie-Tooth disease (PMID: 26298607). It has also been observed to segregate with disease in related individuals. This variant is not present in population databases (gnomAD no frequency). This sequence change creates a premature translational stop signal (p.Lys868Profs*109) in the IGHMBP2 gene. While this is not anticipated to result in nonsense mediated decay, it is expected to disrupt the last 126 amino acid(s) of the IGHMBP2 protein.

Literature cited by the submitters: PubMed 26298607.